The following is an entry in ClinVar:

ClinVar aggregate classification (germline): Likely pathogenic (1 of 4 stars; one submission).

Conditions:
Legius syndrome. Identifiers: Orphanet 137605, MedGen C1969623, MONDO:0012669, OMIM 611431. Disease mechanism: loss of function.

Submission:

Institute of Medical Genetics, University of Zurich
Classification: Likely pathogenic for Legius syndrome. Last evaluated: 2026-05-22. Review status: criteria provided, single submitter. Criteria: ACMG Guidelines, 2015. Collection method: clinical testing. Allele origin: de novo. Inheritance: Autosomal dominant inheritance. Affected: yes. Observed: 1 variant allele.
Comment: The 4-bp-duplication c.1132_1135dup (p.(Cys379Serfs*12)) in the SPRED1 gene (NM_152594.3) is predicted to cause a frameshift and premature termination codon and is located within the C-terminal Sprouty-domain of SPRED1. In silico prediction (DECIPHER) suggests that the transcript may escape nonsense-mediated decay (NMD), potentially resulting in a truncated protein lacking more than 10% of the C-terminal amino sequence. Truncating variants affecting the C-terminal region of SPRED1 are a well-established cause of autosomal-dominant Legius syndrome (OMIM: 611431). The variant is absent from population databases (gnomAD v4.1) and has not been previously reported in the literature. The presence of café-au-lait-spots is consistent with the clinical symptoms of SPRED1-related Legius syndrome. Segregation analysis demonstrated absence of the variant in both parents, suggesting a de novo occurrence. Taken together, these findings support a classification as likely pathogenic (ACMG criteria: PVS1_Strong, PS2_moderate, PM2).

NM_152594.3(SPRED1):c.1132_1135dup (p.Cys379fs)

Gene: SPRED1 (sprouty related EVH1 domain containing 1; plus strand). Cytogenetic location: 15q14.
Variant type: Duplication.
Coding change: c.1132_1135dup on transcript NM_152594.3 (MANE Select); coding-DNA positions 1132 to 1135, 4 bases duplicated (CATT; older notation c.1132_1135dupCATT).
Protein change: p.Cys379fs; shifts the reading frame from cysteine 379.
Molecular consequence: frameshift variant.
Genome position (GRCh38, 1-based): chr15:38,351,461-38,351,464, CATT duplicated; duplicating any 4 consecutive bases within chr15:38,351,460-38,351,464 gives the same sequence; the c. name uses the placement nearest the transcript's 3' end. VCF-style (leftmost placement, unchanged base first): chr15-38351459-A-ATCAT. GRCh37 (hg19) VCF-style: chr15-38643660-A-ATCAT.
Other names: short protein forms C379fs.
Identifiers: ClinVar variation 4884423 (VCV004884423.1).